The following is an entry in ClinVar:

NM_030958.3(SLCO5A1):c.1415T>C (p.Ile472Thr)

Gene: SLCO5A1 (solute carrier organic anion transporter family member 5A1; minus strand). Cytogenetic location: 8q13.3.
Variant type: single nucleotide variant.
Coding change: c.1415T>C on transcript NM_030958.3 (MANE Select); coding-DNA position 1415, T replaced by C.
Protein change: p.Ile472Thr; replaces isoleucine 472 with threonine.
Molecular consequence: missense variant. On other transcripts: intron variant (1).
Genome position (GRCh38, 1-based): chr8:69,738,048, A>G on the plus strand (T>C on the coding strand, the complement: SLCO5A1 is on the minus strand). VCF-style: chr8-69738048-A-G. GRCh37 (hg19) VCF-style: chr8-70650283-A-G.
Other names: c.1415T>C, p.Ile472Thr (NM_001146008.2); c.1258+17376T>C (NM_001146009.1); short protein forms I472T.
Identifiers: ClinVar variation 2818334 (VCV002818334.3), dbSNP rs757920095, ClinGen allele CA371232880.

ClinVar aggregate classification (germline): Uncertain significance (1 of 4 stars; one submission).

Submission:

Labcorp Genetics (formerly Invitae), Labcorp
Classification: Uncertain significance. Last evaluated: 2023-11-15. Review status: criteria provided, single submitter. Criteria: Invitae Variant Classification Sherloc (09022015). Collection method: clinical testing. Allele origin: germline.
Comment: This sequence change replaces isoleucine, which is neutral and non-polar, with threonine, which is neutral and polar, at codon 472 of the SLCO5A1 protein (p.Ile472Thr). This variant is not present in population databases (gnomAD no frequency). This variant has not been reported in the literature in individuals affected with SLCO5A1-related conditions. An algorithm developed to predict the effect of missense changes on protein structure and function (PolyPhen-2) suggests that this variant is likely to be disruptive. In summary, the available evidence is currently insufficient to determine the role of this variant in disease. Therefore, it has been classified as a Variant of Uncertain Significance.